The following is an entry in ClinVar:

ClinVar aggregate classification (germline): Uncertain significance (1 of 4 stars; one submission).

Conditions:
Carnitine palmitoyltransferase II deficiency. Also called: Carnitine Palmitoyltransferase 2 Deficiency. Identifiers: Orphanet 157, MedGen C0342790, MONDO:0015515.

Submission:

Labcorp Genetics (formerly Invitae), Labcorp
Classification: Uncertain significance for Carnitine palmitoyltransferase II deficiency. Last evaluated: 2024-07-15. Review status: criteria provided, single submitter. Criteria: Invitae Variant Classification Sherloc (09022015). Collection method: clinical testing. Allele origin: germline.
Comment: This sequence change replaces lysine, which is basic and polar, with glutamic acid, which is acidic and polar, at codon 495 of the CPT2 protein (p.Lys495Glu). This variant is not present in population databases (gnomAD no frequency). This variant has not been reported in the literature in individuals affected with CPT2-related conditions. Advanced modeling of protein sequence and biophysical properties (such as structural, functional, and spatial information, amino acid conservation, physicochemical variation, residue mobility, and thermodynamic stability) performed at Invitae indicates that this missense variant is expected to disrupt CPT2 protein function with a positive predictive value of 80%. In summary, the available evidence is currently insufficient to determine the role of this variant in disease. Therefore, it has been classified as a Variant of Uncertain Significance.

NM_000098.3(CPT2):c.1483A>G (p.Lys495Glu)

Gene: CPT2 (carnitine palmitoyltransferase 2; plus strand). Cytogenetic location: 1p32.3.
Variant type: single nucleotide variant.
Coding change: c.1483A>G on transcript NM_000098.3 (MANE Select); coding-DNA position 1483, A replaced by G.
Protein change: p.Lys495Glu; replaces lysine 495 with glutamic acid.
Molecular consequence: missense variant.
Genome position (GRCh38, 1-based): chr1:53,211,157, A>G. VCF-style: chr1-53211157-A-G. GRCh37 (hg19) VCF-style: chr1-53676829-A-G.
Other names: c.1483A>G, p.Lys495Glu (NM_001330589.2); short protein forms K495E.
Identifiers: ClinVar variation 3695620 (VCV003695620.2).